The following is an entry in ClinVar:

ClinVar aggregate classification (germline): Uncertain significance (1 of 4 stars; one submission).

Submission:

GeneDx
Classification: Uncertain significance. Last evaluated: 2023-01-26. Review status: criteria provided, single submitter. Criteria: GeneDx Variant Classification Process June 2021. Collection method: clinical testing. Allele origin: germline. Affected: yes.
Comment: Not observed at significant frequency in large population cohorts (gnomAD); In silico analysis supports that this missense variant does not alter protein structure/function; Has not been previously published as pathogenic or benign to our knowledge

NM_012330.4(KAT6B):c.541G>A (p.Gly181Ser)

Gene: KAT6B (lysine acetyltransferase 6B; plus strand). Cytogenetic location: 10q22.2.
Variant type: single nucleotide variant.
Coding change: c.541G>A on transcript NM_012330.4 (MANE Select); coding-DNA position 541, G replaced by A.
Protein change: p.Gly181Ser; replaces glycine 181 with serine.
Molecular consequence: missense variant. On other transcripts: initiator codon variant (2).
Genome position (GRCh38, 1-based): chr10:74,843,398, G>A. VCF-style: chr10-74843398-G-A. GRCh37 (hg19) VCF-style: chr10-76603156-G-A.
Other names: c.541G>A, p.Gly181Ser (NM_001256468.2, NM_001256469.2, NM_001370132.1 and 10 more transcripts); c.3G>A, p.Met1Ile (NM_001370134.1, NM_001370135.1); short protein forms G181S, M1I.
Identifiers: ClinVar variation 2574430 (VCV002574430.2), dbSNP rs2548336546, ClinGen allele CA377400263.
Genomic context (GRCh38, chr10:74,843,398, plus strand): 5'-AATAATGGGAGGTTACTGAAAGACGGACCGCAGTACAGGGTCAATTATGGGAGCTTAGAT[G>A]GCAAAGGGGCACCTCAGTATCCCAGTGCATTCCCATCCTCGCTCCCACCTGTCAGCCTTC-3'
Protein context (NP_036462.2, residues 171-191): QYRVNYGSLD[Gly181Ser]KGAPQYPSAF